The following is an entry in ClinVar:

NM_015978.3(TNNI3K):c.2270G>A (p.Arg757Gln)

Genes: FPGT-TNNI3K (FPGT-TNNI3K readthrough; plus strand), LRRC53 (leucine rich repeat containing 53; minus strand), TNNI3K (TNNI3 interacting kinase; plus strand). Cytogenetic location: 1p31.1.
Variant type: single nucleotide variant.
Coding change: c.2270G>A on transcript NM_015978.3 (MANE Select); coding-DNA position 2270, G replaced by A.
Protein change: p.Arg757Gln; replaces arginine 757 with glutamine.
Molecular consequence: missense variant. On other transcripts: intron variant (2).
Genome position (GRCh38, 1-based): chr1:74,492,185, G>A. VCF-style: chr1-74492185-G-A. GRCh37 (hg19) VCF-style: chr1-74957869-G-A.
Other names: p.Arg757Gln; c.2573G>A, p.Arg858Gln (NM_001112808.3); c.-8-11217C>T (NM_001364666.2); c.-26-8810C>T (NM_001382280.1); short protein forms R757Q, R858Q.
Identifiers: ClinVar variation 1938303 (VCV001938303.6), dbSNP rs200277602, ClinGen allele CA909838.

ClinVar aggregate classification (germline): Uncertain significance. Review status: criteria provided, multiple submitters, no conflicts (2 of 4 stars). 2 submissions from 2 submitters: Uncertain significance (2). Last evaluated 2025-07-10.

Allele frequency attached by ClinVar (database versions not stated): gnomAD 0.00001; TOPMed 0.00001; ExAC 0.00002; gnomAD exomes 0.00002.
gnomAD v4.1: 23 of 1,612,718 alleles (0.0014%); highest among the groups gnomAD compares: Middle Eastern, 0.016%; no homozygotes.

Submissions (2):

Mayo Clinic Laboratories, Mayo Clinic
Classification: Uncertain significance. Last evaluated: 2025-07-10. Review status: criteria provided, single submitter. Criteria: ACMG Guidelines, 2015. Collection method: clinical testing. Allele origin: germline. Observed: 1 variant allele.
Comment: PM2_supporting

Labcorp Genetics (formerly Invitae), Labcorp
Classification: Uncertain significance. Last evaluated: 2024-12-22. Review status: criteria provided, single submitter. Criteria: Invitae Variant Classification Sherloc (09022015). Collection method: clinical testing. Allele origin: germline.
Comment: This sequence change replaces arginine, which is basic and polar, with glutamine, which is neutral and polar, at codon 757 of the TNNI3K protein (p.Arg757Gln). This variant is present in population databases (rs200277602, gnomAD 0.007%). This variant has not been reported in the literature in individuals affected with TNNI3K-related conditions. ClinVar contains an entry for this variant (Variation ID: 1938303). An algorithm developed to predict the effect of missense changes on protein structure and function outputs the following: PolyPhen-2: "Benign". The glutamine amino acid residue is found in multiple mammalian species, which suggests that this missense change does not adversely affect protein function. In summary, the available evidence is currently insufficient to determine the role of this variant in disease. Therefore, it has been classified as a Variant of Uncertain Significance.